The following is an entry in ClinVar:

NM_016628.5(WAC):c.356A>T (p.Asn119Ile)

Gene: WAC (WW domain containing adaptor with coiled-coil; plus strand). Cytogenetic location: 10p12.1.
Variant type: single nucleotide variant.
Coding change: c.356A>T on transcript NM_016628.5 (MANE Select); coding-DNA position 356, A replaced by T.
Protein change: p.Asn119Ile; replaces asparagine 119 with isoleucine.
Molecular consequence: missense variant.
Genome position (GRCh38, 1-based): chr10:28,583,480, A>T. VCF-style: chr10-28583480-A-T. GRCh37 (hg19) VCF-style: chr10-28872409-A-T.
Other names: c.221A>T, p.Asn74Ile (NM_100264.3); c.356A>T, p.Asn119Ile (NM_100486.4); short protein forms N119I, N74I.
Identifiers: ClinVar variation 2570768 (VCV002570768.27), dbSNP rs189481716, ClinGen allele CA5454758.
Genomic context (GRCh38, chr10:28,583,480, plus strand): 5'-AAAATTCACACAACCACAGTGCTCTTCATAGTTCAAATTCACATTCTTCTAATCCAAGCA[A>T]TAACCCAAGCAAAACTTCAGATGCAGTAAGTATTATAAACATGTCCAATATGGTTTCTTT-3'
Protein context (NP_057712.2, residues 109-129): SSNSHSSNPS[Asn119Ile]NPSKTSDAPY

ClinVar aggregate classification (germline): Likely benign (1 of 4 stars; one submission).

Allele frequency attached by ClinVar (database versions not stated): 1000 Genomes Project 0.00040; 1000 Genomes Project 30x 0.00047.
gnomAD v4.1: 113 of 1,586,458 alleles (0.0071%); highest among the groups gnomAD compares: South Asian, 0.13%; 2 homozygotes.

Submission:

CeGaT Center for Human Genetics Tuebingen
Classification: Likely benign. Last evaluated: 2026-01-01. Review status: criteria provided, single submitter. Criteria: CeGaT Center For Human Genetics Tuebingen Variant Classification Criteria Version 2. Collection method: clinical testing. Allele origin: germline. Affected: yes. Observed: 3 variant alleles.
Comment: WAC: BS1